The following is an entry in ClinVar:

NM_001130438.3(SPTAN1):c.1221+286T>A

Gene: SPTAN1 (spectrin alpha, non-erythrocytic 1; plus strand). Cytogenetic location: 9q34.11.
Variant type: single nucleotide variant.
Coding change: c.1221+286T>A on transcript NM_001130438.3 (MANE Select); 286 bases into the intron after coding-DNA position 1221, T replaced by A.
Molecular consequence: intron variant.
Genome position (GRCh38, 1-based): chr9:128,578,531, T>A. VCF-style: chr9-128578531-T-A. GRCh37 (hg19) VCF-style: chr9-131340810-T-A.
Other names: c.1221+286T>A (NM_001363759.2, NM_003127.4, NM_001363765.2 and 1 more transcripts).
Identifiers: ClinVar variation 680788 (VCV000680788.1), dbSNP rs1890104, ClinGen allele CA13020754.

ClinVar aggregate classification (germline): Benign (1 of 4 stars; one submission).

Allele frequency attached by ClinVar (database versions not stated): 1000 Genomes Project 30x 0.67989; 1000 Genomes Project 0.68031; TOPMed 0.77171; gnomAD 0.78095 and 0.78340.
gnomAD v4.1: 118,987 of 152,074 alleles (78%); highest among the groups gnomAD compares: Non-Finnish European, 90%; 48,164 homozygotes.

Submission:

GeneDx
Classification: Benign. Last evaluated: 2018-06-14. Review status: criteria provided, single submitter. Criteria: GeneDx Variant Classification (06012015). Collection method: clinical testing. Allele origin: germline. Affected: yes.
Comment: This variant is considered likely benign or benign based on one or more of the following criteria: it is a conservative change, it occurs at a poorly conserved position in the protein, it is predicted to be benign by multiple in silico algorithms, and/or has population frequency not consistent with disease.